The following is an entry in ClinVar:

NM_000219.6(KCNE1):c.287A>G (p.Gln96Arg)

Gene: KCNE1 (potassium voltage-gated channel subfamily E regulatory subunit 1; minus strand). Cytogenetic location: 21q22.12.
Variant type: single nucleotide variant.
Coding change: c.287A>G on transcript NM_000219.6 (MANE Select); coding-DNA position 287, A replaced by G.
Protein change: p.Gln96Arg; replaces glutamine 96 with arginine.
Molecular consequence: missense variant.
Genome position (GRCh38, 1-based): chr21:34,449,348, T>C on the plus strand (A>G on the coding strand, the complement: KCNE1 is on the minus strand). VCF-style: chr21-34449348-T-C. GRCh37 (hg19) VCF-style: chr21-35821646-T-C.
Other names: c.287A>G, p.Gln96Arg (NM_001127668.4, NM_001127669.4, NM_001127670.4 and 4 more transcripts); short protein forms Q96R.
Identifiers: ClinVar variation 1410427 (VCV001410427.13), dbSNP rs767972997, ClinGen allele CA320425183.
Genomic context (GRCh38, chr21:34,449,348, plus strand): 5'-TCTATGGCCAGATGGTTTTCAACGACATAGCACGACCTGTAGCTCTCCAGGACCCGGGCC[T>C]GGACATAGGCCTTGTCCTTCTCTTGCCAGGCATCGGACTCGATGTAGACGTTGAATGGGT-3'
Protein context (NP_000210.2, residues 86-106): AWQEKDKAYV[Gln96Arg]ARVLESYRSC

ClinVar aggregate classification (germline): Uncertain significance. Review status: criteria provided, multiple submitters, no conflicts (2 of 4 stars). 2 submissions from 2 submitters: Uncertain significance (2). Last evaluated 2026-01-25.

Conditions:
Long QT syndrome (LQTS). Identifiers: MedGen C0023976, MeSH D008133, MONDO:0002442. Disease mechanism: loss of function. Inheritance: Various modes of inheritance.
Cardiovascular phenotype. Identifiers: MedGen CN230736.

Allele frequency attached by ClinVar (database versions not stated): gnomAD exomes below 0.00001 and 0.00001; ExAC 0.00001; TOPMed 0.00001.

Submissions (3):

Labcorp Genetics (formerly Invitae), Labcorp
Classification: Uncertain significance for Long QT syndrome. Last evaluated: 2026-01-25. Review status: criteria provided, single submitter. Criteria: Invitae Variant Classification Sherloc (09022015). Collection method: clinical testing. Allele origin: germline.
Comment: This sequence change replaces glutamine, which is neutral and polar, with arginine, which is basic and polar, at codon 96 of the KCNE1 protein (p.Gln96Arg). This variant is present in population databases (rs767972997, gnomAD 0.008%). This missense change has been observed in individual(s) with clinical features of KCNE1-related conditions (PMID: 29032884). ClinVar contains an entry for this variant (Variation ID: 1410427). Invitae Evidence Modeling of protein sequence and biophysical properties (such as structural, functional, and spatial information, amino acid conservation, physicochemical variation, residue mobility, and thermodynamic stability) indicates that this missense variant is not expected to disrupt KCNE1 protein function with a negative predictive value of 95%. Experimental studies have shown that this missense change does not substantially affect KCNE1 function (PMID: 38816749). In summary, the available evidence is currently insufficient to determine the role of this variant in disease. Therefore, it has been classified as a Variant of Uncertain Significance.

Ambry Genetics
Classification: Uncertain significance for Cardiovascular phenotype. Last evaluated: 2025-05-12. Review status: criteria provided, single submitter. Criteria: Ambry Variant Classification Scheme 2023. Collection method: clinical testing. Allele origin: germline.
Comment: The p.Q96R variant (also known as c.287A>G), located in coding exon 1 of the KCNE1 gene, results from an A to G substitution at nucleotide position 287. The glutamine at codon 96 is replaced by arginine, an amino acid with highly similar properties. This variant was reported in a sudden cardiac arrest ventricular fibrillation cohort, as seen in one individual with a normal QTc value (Leinonen JT et al. Int J Cardiol, 2018 Jan;250:139-145). This amino acid position is highly conserved in available vertebrate species. In addition, the in silico prediction for this alteration is inconclusive. Since supporting evidence is limited at this time, the clinical significance of this alteration remains unclear.

Roden Lab, Vanderbilt University Medical Center
No classification provided (evidence only). Condition: Long QT syndrome 5. Review status: no classification provided. Collection method: in vitro. Allele origin: not applicable. Functional consequence: Effect on ion channel function. Not counted in ClinVar's aggregate classification.
ClinVar note: "not provided" was previously submitted as the classification for the variant. However, the classification appeared to be based only on an observation of functional data so it was converted to no classification on 2025-07-30.

Literature cited by the submitters: PubMed 29032884 (cited by Labcorp Genetics (formerly Invitae), Labcorp and Ambry Genetics); PubMed 38816749 (cited by Labcorp Genetics (formerly Invitae), Labcorp).